The following is an entry in ClinVar:

NM_003079.5(SMARCE1):c.490A>G (p.Met164Val)

Gene: SMARCE1 (SWI/SNF related BAF chromatin remodeling complex subunit E1; minus strand). Cytogenetic location: 17q21.2.
Variant type: single nucleotide variant.
Coding change: c.490A>G on transcript NM_003079.5 (MANE Select); coding-DNA position 490, A replaced by G.
Protein change: p.Met164Val; replaces methionine 164 with valine.
Molecular consequence: missense variant.
Genome position (GRCh38, 1-based): chr17:40,635,982, T>C on the plus strand (A>G on the coding strand, the complement: SMARCE1 is on the minus strand). VCF-style: chr17-40635982-T-C. GRCh37 (hg19) VCF-style: chr17-38792234-T-C.
Other names: short protein forms M164V.
Identifiers: ClinVar variation 841063 (VCV000841063.12), dbSNP rs752296357, ClinGen allele CA8545234.

ClinVar aggregate classification (germline): Uncertain significance. Review status: criteria provided, multiple submitters, no conflicts (2 of 4 stars). 2 submissions from 2 submitters: Uncertain significance (2). Last evaluated 2024-05-15.

Conditions:
Hereditary cancer-predisposing syndrome. Also called: Hereditary Cancer Syndrome; Hereditary neoplastic syndrome; Tumor predisposition; Neoplastic Syndromes, Hereditary. Identifiers: Orphanet 140162, MedGen C0027672, MeSH D009386, MONDO:0015356.
Familial meningioma. Also called: Meningioma, familial, susceptibility to. Identifiers: Orphanet 263662, MedGen C3551915, MONDO:0011789, OMIM 607174.

Allele frequency attached by ClinVar (database versions not stated): gnomAD exomes 0.00001 and 0.00002; ExAC 0.00004.

Submissions (2):

Labcorp Genetics (formerly Invitae), Labcorp
Classification: Uncertain significance for Familial meningioma. Last evaluated: 2024-05-15. Review status: criteria provided, single submitter. Criteria: Invitae Variant Classification Sherloc (09022015). Collection method: clinical testing. Allele origin: germline.
Comment: This sequence change replaces methionine, which is neutral and non-polar, with valine, which is neutral and non-polar, at codon 164 of the SMARCE1 protein (p.Met164Val). This variant is present in population databases (rs752296357, gnomAD 0.004%). This variant has not been reported in the literature in individuals affected with SMARCE1-related conditions. ClinVar contains an entry for this variant (Variation ID: 841063). Advanced modeling of protein sequence and biophysical properties (such as structural, functional, and spatial information, amino acid conservation, physicochemical variation, residue mobility, and thermodynamic stability) performed at Invitae indicates that this missense variant is not expected to disrupt SMARCE1 protein function with a negative predictive value of 80%. In summary, the available evidence is currently insufficient to determine the role of this variant in disease. Therefore, it has been classified as a Variant of Uncertain Significance.

Ambry Genetics
Classification: Uncertain significance for Hereditary cancer-predisposing syndrome. Last evaluated: 2020-11-05. Review status: criteria provided, single submitter. Criteria: Ambry Variant Classification Scheme 2023. Collection method: clinical testing. Allele origin: germline.
Comment: The p.M164V variant (also known as c.490A>G), located in coding exon 6 of the SMARCE1 gene, results from an A to G substitution at nucleotide position 490. The methionine at codon 164 is replaced by valine, an amino acid with highly similar properties. This amino acid position is well conserved in available vertebrate species. In addition, this alteration is predicted to be tolerated by in silico analysis. Since supporting evidence is limited at this time, the clinical significance of this alteration remains unclear.